The following is an entry in ClinVar:

ClinVar aggregate classification (germline): Uncertain significance (1 of 4 stars; one submission).

Conditions:
Polycystic kidney disease, adult type (PKD1). Also called: POLYCYSTIC KIDNEY DISEASE, ADULT, TYPE I; Polycystic Kidney, Autosomal Dominant; Polycystic Kidney Disease 1, Autosomal Dominant; Polycystic kidney disease 1; Polycystic kidney disease 1, severe; POLYCYSTIC KIDNEY DISEASE 1 WITH OR WITHOUT POLYCYSTIC LIVER DISEASE. Identifiers: MedGen C3149841, MONDO:0008263, OMIM 173900.

Submission:

Juno Genomics, Hangzhou Juno Genomics, Inc
Classification: Uncertain significance for Polycystic kidney disease, adult type. Review status: criteria provided, single submitter. Criteria: ACMG Guidelines, 2015. Collection method: clinical testing. Allele origin: germline.
Comment: Absent from controls (or at extremely low frequency if recessive) in Genome Aggregation Database.;Protein length changes due to in-frame deletions/insertions in a non-repeat region or stop-loss variants.

NM_001009944.3(PKD1):c.10559_10568delinsAGTT (p.Gly3520_Ser3523delinsGluPhe)

Genes: PKD1 (polycystin 1, transient receptor potential channel interacting; minus strand), PKD1-AS1 (PKD1 antisense RNA 1; plus strand). Cytogenetic location: 16p13.3.
Variant type: Indel.
Coding change: c.10559_10568delinsAGTT on transcript NM_001009944.3 (MANE Select); coding-DNA positions 10559 to 10568, GGCCACCCAG replaced by AGTT.
Protein change: p.Gly3520_Ser3523delinsGluPhe.
Molecular consequence: inframe indel.
Genome position (GRCh38, 1-based): chr16:2,094,142-2,094,151, CTGGGTGGCC replaced by AACT on the plus strand (GGCCACCCAG replaced by AGTT on the coding strand, the reverse complement: PKD1 is on the minus strand). VCF-style: chr16-2094142-CTGGGTGGCC-AACT. GRCh37 (hg19) VCF-style: chr16-2144143-CTGGGTGGCC-AACT.
Other names: c.10556_10565delinsAGTT, p.Gly3519_Ser3522delinsGluPhe (NM_000296.4).
Identifiers: ClinVar variation 5005522 (VCV005005522.2).
Genomic context (GRCh38, chr16:2,094,142, plus strand): 5'-GCAAGCACACCTGTCCTGGACAGCCTCGCTGCCTGGGGCTGTTCCCAGTTCAGGCCTGGG[CTGGGTGGCC>AACT]CCAGCTCCCCCAGCCTCTGCAGCGCCAGCGTCTCTGTCTTCTCCCCAGGAGTGCTGGACC-3'